The following is an entry in ClinVar:

ClinVar aggregate classification (germline): Uncertain significance (1 of 4 stars; one submission).

Conditions:
Singleton-Merten syndrome 1 (SGMRT1). Also called: Widened medullary cavities of bone, aortic calcification, abnormal dentition, and muscular weakness; Syndrome of widened medullary cavities of the metacarpals and phalanges, aortic calcification and abnormal dentition. Identifiers: Orphanet 85191, MedGen C4225427, MONDO:0024535, OMIM 182250.
Aicardi-Goutieres syndrome 7 (AGS7). Identifiers: Orphanet 51, MedGen C3888244, MONDO:0014367, OMIM 615846.

Allele frequency attached by ClinVar (database versions not stated): TOPMed 0.00001.

Submission:

Labcorp Genetics (formerly Invitae), Labcorp
Classification: Uncertain significance for Aicardi-Goutieres syndrome 7; Singleton-Merten syndrome 1. Last evaluated: 2022-08-08. Review status: criteria provided, single submitter. Criteria: Invitae Variant Classification Sherloc (09022015). Collection method: clinical testing. Allele origin: germline.
Comment: ClinVar contains an entry for this variant (Variation ID: 1023152). In summary, the available evidence is currently insufficient to determine the role of this variant in disease. Therefore, it has been classified as a Variant of Uncertain Significance. Algorithms developed to predict the effect of missense changes on protein structure and function are either unavailable or do not agree on the potential impact of this missense change (SIFT: "Deleterious"; PolyPhen-2: "Probably Damaging"; Align-GVGD: "Class C0"). This variant has not been reported in the literature in individuals affected with IFIH1-related conditions. This variant is not present in population databases (gnomAD no frequency). This sequence change replaces isoleucine, which is neutral and non-polar, with threonine, which is neutral and polar, at codon 26 of the IFIH1 protein (p.Ile26Thr).

NM_022168.4(IFIH1):c.77T>C (p.Ile26Thr)

Gene: IFIH1 (interferon induced with helicase C domain 1; minus strand). Cytogenetic location: 2q24.2.
Variant type: single nucleotide variant.
Coding change: c.77T>C on transcript NM_022168.4 (MANE Select); coding-DNA position 77, T replaced by C.
Protein change: p.Ile26Thr; replaces isoleucine 26 with threonine.
Molecular consequence: missense variant.
Genome position (GRCh38, 1-based): chr2:162,318,231, A>G on the plus strand (T>C on the coding strand, the complement: IFIH1 is on the minus strand). VCF-style: chr2-162318231-A-G. GRCh37 (hg19) VCF-style: chr2-163174741-A-G.
Other names: short protein forms I26T.
Identifiers: ClinVar variation 1023152 (VCV001023152.8), dbSNP rs1442046271, ClinGen allele CA349014593.